The following is an entry in ClinVar:

NM_015278.5(SASH1):c.2043G>A (p.Pro681=)

Gene: SASH1 (SAM and SH3 domain containing 1; plus strand). Cytogenetic location: 6q25.1.
Variant type: single nucleotide variant.
Coding change: c.2043G>A on transcript NM_015278.5 (MANE Select); coding-DNA position 2043, G replaced by A.
Protein change: p.Pro681=; no amino-acid change (proline 681 retained).
Molecular consequence: synonymous variant.
Genome position (GRCh38, 1-based): chr6:148,534,849, G>A. VCF-style: chr6-148534849-G-A. GRCh37 (hg19) VCF-style: chr6-148855985-G-A.
Other names: c.1908G>A, p.Pro636= (NM_001346505.2); c.1671G>A, p.Pro557= (NM_001346506.2); c.1326G>A, p.Pro442= (NM_001346507.2); c.1815G>A, p.Pro605= (NM_001346508.2); c.1692G>A, p.Pro564= (NM_001346509.2).
Identifiers: ClinVar variation 4681505 (VCV004681505.5).

ClinVar aggregate classification (germline): Likely benign (1 of 4 stars; one submission).

gnomAD v4.1: 157 of 1,614,228 alleles (0.0097%); highest among the groups gnomAD compares: Admixed American, 0.03%; no homozygotes.

Submission:

CeGaT Center for Human Genetics Tuebingen
Classification: Likely benign. Last evaluated: 2025-12-01. Review status: criteria provided, single submitter. Criteria: CeGaT Center For Human Genetics Tuebingen Variant Classification Criteria Version 2. Collection method: clinical testing. Allele origin: germline. Affected: yes. Observed: 1 variant allele.
Comment: SASH1: BP4, BP7